The following is an entry in ClinVar:

ClinVar aggregate classification (germline): Pathogenic (1 of 4 stars; one submission).

Conditions:
Glucose-6-phosphate transport defect (GSD1B). Also called: Glycogen Storage Disease Type Ib; GSD Ib. Identifiers: Orphanet 364, Orphanet 79259, MedGen C0268146, MONDO:0009288, OMIM 232220.

Submission:

Labcorp Genetics (formerly Invitae), Labcorp
Classification: Pathogenic for Glucose-6-phosphate transport defect. Last evaluated: 2022-05-14. Review status: criteria provided, single submitter. Criteria: Invitae Variant Classification Sherloc (09022015). Collection method: clinical testing. Allele origin: germline.
Comment: Algorithms developed to predict the effect of sequence changes on RNA splicing suggest that this variant may create or strengthen a splice site. This variant has not been reported in the literature in individuals affected with SLC37A4-related conditions. This variant is not present in population databases (gnomAD no frequency). For these reasons, this variant has been classified as Pathogenic. This variant disrupts a region of the SLC37A4 protein in which other variant(s) (p.Arg415*) have been determined to be pathogenic (PMID: 10482962, 10931421, 15059622, 21575371). This suggests that this is a clinically significant region of the protein, and that variants that disrupt it are likely to be disease-causing. This sequence change creates a premature translational stop signal (p.Tyr343Leufs*58) in the SLC37A4 gene. While this is not anticipated to result in nonsense mediated decay, it is expected to disrupt the last 87 amino acid(s) of the SLC37A4 protein.

Literature cited by the submitters: PubMed 10482962; PubMed 10931421; PubMed 15059622; PubMed 21575371.

NM_001164277.2(SLC37A4):c.1028_1036delinsTGCCTCG (p.Tyr343fs)

Gene: SLC37A4 (solute carrier family 37 member 4; minus strand). Cytogenetic location: 11q23.3.
Variant type: Indel.
Coding change: c.1028_1036delinsTGCCTCG on transcript NM_001164277.2 (MANE Select); coding-DNA positions 1028 to 1036, ATGGCCCCA replaced by TGCCTCG.
Protein change: p.Tyr343fs; shifts the reading frame from tyrosine 343.
Molecular consequence: frameshift variant.
Genome position (GRCh38, 1-based): chr11:119,025,278-119,025,286, TGGGGCCAT replaced by CGAGGCA on the plus strand (ATGGCCCCA replaced by TGCCTCG on the coding strand, the reverse complement: SLC37A4 is on the minus strand). VCF-style: chr11-119025278-TGGGGCCAT-CGAGGCA. GRCh37 (hg19) VCF-style: chr11-118895988-TGGGGCCAT-CGAGGCA.
Other names: c.1094_1102delinsTGCCTCG, p.Tyr365fs (NM_001164278.2); c.809_817delinsTGCCTCG, p.Tyr270fs (NM_001164279.2); c.1028_1036delinsTGCCTCG, p.Tyr343fs (NM_001164280.2, NM_001467.6); short protein forms Y343fs, Y270fs, Y365fs.
Identifiers: ClinVar variation 2113017 (VCV002113017.4), dbSNP rs2497012200, ClinGen allele CA2580083637.